The following is an entry in ClinVar:

NM_006922.4(SCN3A):c.5834T>G (p.Ile1945Ser)

Gene: SCN3A (sodium voltage-gated channel alpha subunit 3; minus strand). Cytogenetic location: 2q24.3.
Variant type: single nucleotide variant.
Coding change: c.5834T>G on transcript NM_006922.4 (MANE Select); coding-DNA position 5834, T replaced by G.
Protein change: p.Ile1945Ser; replaces isoleucine 1945 with serine.
Molecular consequence: missense variant.
Genome position (GRCh38, 1-based): chr2:165,090,319, A>C on the plus strand (T>G on the coding strand, the complement: SCN3A is on the minus strand). VCF-style: chr2-165090319-A-C. GRCh37 (hg19) VCF-style: chr2-165946829-A-C.
Other names: c.5834T>G (NM_006922.3); c.5687T>G, p.Ile1896Ser (NM_001081676.2, NM_001081677.2); short protein forms I1896S, I1945S.
Identifiers: ClinVar variation 2819697 (VCV002819697.4), dbSNP rs2105616234, ClinGen allele CA349009517.

ClinVar aggregate classification (germline): Uncertain significance. Review status: criteria provided, multiple submitters, no conflicts (2 of 4 stars). 2 submissions from 2 submitters: Uncertain significance (2). Last evaluated 2024-06-07.

Submissions (2):

GeneDx
Classification: Uncertain significance. Last evaluated: 2024-06-07. Review status: criteria provided, single submitter. Criteria: GeneDx Variant Classification Process June 2021. Collection method: clinical testing. Allele origin: germline. Affected: yes.
Comment: Not observed at significant frequency in large population cohorts (gnomAD); In silico analysis supports that this missense variant has a deleterious effect on protein structure/function; Has not been previously published as pathogenic or benign to our knowledge

Labcorp Genetics (formerly Invitae), Labcorp
Classification: Uncertain significance. Last evaluated: 2023-02-08. Review status: criteria provided, single submitter. Criteria: Invitae Variant Classification Sherloc (09022015). Collection method: clinical testing. Allele origin: germline.
Comment: In summary, the available evidence is currently insufficient to determine the role of this variant in disease. Therefore, it has been classified as a Variant of Uncertain Significance. Advanced modeling of protein sequence and biophysical properties (such as structural, functional, and spatial information, amino acid conservation, physicochemical variation, residue mobility, and thermodynamic stability) performed at Invitae indicates that this missense variant is not expected to disrupt SCN3A protein function. This variant has not been reported in the literature in individuals affected with SCN3A-related conditions. This variant is not present in population databases (gnomAD no frequency). This sequence change replaces isoleucine, which is neutral and non-polar, with serine, which is neutral and polar, at codon 1945 of the SCN3A protein (p.Ile1945Ser).